The following is an entry in ClinVar:

NM_000497.4(CYP11B1):c.835G>A (p.Ala279Thr)

Genes: CYP11B1 (cytochrome P450 family 11 subfamily B member 1; minus strand), LOC106799833 (CYP11B1 recombination region; plus strand). Cytogenetic location: 8q24.3.
Variant type: single nucleotide variant.
Coding change: c.835G>A on transcript NM_000497.4 (MANE Select); coding-DNA position 835, G replaced by A.
Protein change: p.Ala279Thr; replaces alanine 279 with threonine.
Molecular consequence: missense variant.
Genome position (GRCh38, 1-based): chr8:142,876,360, C>T on the plus strand (G>A on the coding strand, the complement: CYP11B1 is on the minus strand). VCF-style: chr8-142876360-C-T. GRCh37 (hg19) VCF-style: chr8-143957776-C-T.
Other names: c.835G>A, p.Ala279Thr (NM_001026213.1); short protein forms A279T.
Identifiers: ClinVar variation 424028 (VCV000424028.5), dbSNP rs751047685, ClinGen allele CA4905285.

ClinVar aggregate classification (germline): Uncertain significance. Review status: criteria provided, multiple submitters, no conflicts (2 of 4 stars). 2 submissions from 2 submitters: Uncertain significance (2). Last evaluated 2021-07-08.

Conditions:
Glucocorticoid-remediable aldosteronism. Also called: ACTH-DEPENDENT HYPERALDOSTERONISM SYNDROME; ALDOSTERONISM, SENSITIVE TO DEXAMETHASONE; FH I; GLUCOCORTICOID-SUPPRESSIBLE HYPERALDOSTERONISM; Hyperaldosteronism, familial, type I. Identifiers: Orphanet 403, MedGen C3838731, MONDO:0007080, OMIM 103900.
Deficiency of steroid 11-beta-monooxygenase (CYP11B1). Also called: ADRENAL HYPERPLASIA, CONGENITAL, DUE TO STEROID 11-BETA-HYDROXYLASE DEFICIENCY; 11-BETA-HYDROXYLASE DEFICIENCY; Congenital adrenal hyperplasia due to 11-beta-hydroxylase deficiency; ADRENAL HYPERPLASIA IV; P450C11B1 DEFICIENCY; STEROID 11-BETA-HYDROXYLASE DEFICIENCY. Identifiers: Orphanet 90795, MedGen C0268292, MONDO:0008729, OMIM 202010. Disease mechanism: loss of function.

Allele frequency attached by ClinVar (database versions not stated): gnomAD 0.00001; gnomAD exomes 0.00001 and 0.00002; ExAC 0.00003.
gnomAD v4.1: 30 of 1,614,014 alleles (0.0019%); highest among the groups gnomAD compares: Non-Finnish European, 0.0025%; no homozygotes.

Submissions (2):

Fulgent Genetics
Classification: Uncertain significance for Glucocorticoid-remediable aldosteronism; Deficiency of steroid 11-beta-monooxygenase. Last evaluated: 2021-07-08. Review status: criteria provided, single submitter. Criteria: ACMG Guidelines, 2015. Collection method: clinical testing. Allele origin: unknown.

GeneDx
Classification: Uncertain significance. Last evaluated: 2021-04-07. Review status: criteria provided, single submitter. Criteria: GeneDx Variant Classification Process June 2021. Collection method: clinical testing. Allele origin: germline. Affected: yes.
Comment: Not observed at a significant frequency in large population cohorts (Lek et al., 2016); In silico analysis supports that this missense variant does not alter protein structure/function; Has not been previously published as pathogenic or benign to our knowledge